The following is an entry in ClinVar:

ClinVar aggregate classification (germline): Likely benign. Review status: criteria provided, multiple submitters, no conflicts (2 of 4 stars). 2 submissions from 2 submitters: Likely benign (2). Last evaluated 2026-07-22.

Conditions:
ADGRV1-related disorder. Also called: ADGRV1-related condition; ADGRV1-related disorders.

Allele frequency attached by ClinVar (database versions not stated): gnomAD exomes 0.00001; gnomAD 0.00003; TOPMed 0.00003; ExAC 0.00005; ESP Exome Variant Server 0.00008.
gnomAD v4.1: 23 of 1,606,942 alleles (0.0014%); highest among the groups gnomAD compares: South Asian, 0.0078%; no homozygotes.

Submissions (2):

PreventionGenetics, part of Exact Sciences
Classification: Likely benign for ADGRV1-related condition. Last evaluated: 2026-07-22. Review status: criteria provided, single submitter. Criteria: ACMG Guidelines, 2015. Collection method: clinical testing. Allele origin: germline.
Comment: This variant is classified as likely benign based on ACMG/AMP sequence variant interpretation guidelines (Richards et al. 2015 PMID: 25741868, with internal and published modifications).

Labcorp Genetics (formerly Invitae), Labcorp
Classification: Likely benign. Last evaluated: 2025-01-17. Review status: criteria provided, single submitter. Criteria: Invitae Variant Classification Sherloc (09022015). Collection method: clinical testing. Allele origin: germline.

NM_032119.4(ADGRV1):c.6438A>G (p.Ala2146=)

Gene: ADGRV1 (adhesion G protein-coupled receptor V1; plus strand). Cytogenetic location: 5q14.3.
Variant type: single nucleotide variant.
Coding change: c.6438A>G on transcript NM_032119.4 (MANE Select); coding-DNA position 6438, A replaced by G.
Protein change: p.Ala2146=; no amino-acid change (alanine 2146 retained).
Molecular consequence: synonymous variant. On other transcripts: non-coding transcript variant (1).
Genome position (GRCh38, 1-based): chr5:90,685,943, A>G. VCF-style: chr5-90685943-A-G. GRCh37 (hg19) VCF-style: chr5-89981760-A-G.
Other names: c.6438A>G (NM_032119.3).
Identifiers: ClinVar variation 2954818 (VCV002954818.4), dbSNP rs372730412, ClinGen allele CA3339781.